The following is an entry in ClinVar:

NM_001384910.1(GUCA1A):c.*345G>A

Genes: GUCA1ANB-GUCA1A (GUCA1ANB-GUCA1A readthrough; plus strand), GUCA1A (guanylate cyclase activator 1A; plus strand). Cytogenetic location: 6p21.1.
Variant type: single nucleotide variant.
Coding change: c.*345G>A on transcript NM_001384910.1 (MANE Select); 345 bases downstream of the stop codon, G replaced by A.
Molecular consequence: 3 prime UTR variant.
Genome position (GRCh38, 1-based): chr6:42,179,748, G>A. VCF-style: chr6-42179748-G-A. GRCh37 (hg19) VCF-style: chr6-42147486-G-A.
Other names: c.*345G>A (NM_000409.5, NM_001319061.2, NM_001319062.2).
Identifiers: ClinVar variation 356696 (VCV000356696.6), dbSNP rs115636833, ClinGen allele CA10626794.

ClinVar aggregate classification (germline): Likely benign (1 of 4 stars; one submission).

Conditions:
Cone dystrophy 3 (COD3). Also called: RETINAL CONE DYSTROPHY. Identifiers: Orphanet 1872, MedGen C1865869, MONDO:0011193, OMIM 602093.

Allele frequency attached by ClinVar (database versions not stated): gnomAD exomes 0.00084; gnomAD 0.00610 and 0.00658; TOPMed 0.00654; 1000 Genomes Project 0.00719; 1000 Genomes Project 30x 0.00812.
gnomAD v4.1: 954 of 196,684 alleles (0.49%); highest among the groups gnomAD compares: African/African-American, 2.1%; 11 homozygotes.

Submission:

Illumina Laboratory Services, Illumina
Classification: Likely benign for Cone dystrophy 3. Last evaluated: 2018-01-12. Review status: criteria provided, single submitter. Criteria: ICSL Variant Classification Criteria 13 December 2019. Collection method: clinical testing. Allele origin: germline.
Comment: This variant was observed in the ICSL laboratory as part of a predisposition screen in an ostensibly healthy population. It had not been previously curated by ICSL or reported in the Human Gene Mutation Database (HGMD: prior to June 1st, 2018), and was therefore a candidate for classification through an automated scoring system. Utilizing variant allele frequency, disease prevalence and penetrance estimates, and inheritance mode, an automated score was calculated to assess if this variant is too frequent to cause the disease. Based on the score and internal cut-off values, a variant classified as likely benign is not then subjected to further curation. The score for this variant resulted in a classification of likely benign for this disease.